The following is an entry in ClinVar:

ClinVar aggregate classification (germline): Likely pathogenic (1 of 4 stars; one submission).

Submission:

GeneDx
Classification: Likely pathogenic. Last evaluated: 2013-09-30. Review status: criteria provided, single submitter. Criteria: GeneDx Variant Classification (06012015). Collection method: clinical testing. Allele origin: germline. Affected: yes.
Comment: p.Ala40Val (GCC>GTC): c.119 C>T in exon 2 of the KCNH2 gene (NM_000238.2)The Ala40Val variant in the KCNH2 gene has not been reported as a disease-causing mutation or as a benign polymorphism to our knowledge. Although Ala40Val results in a conservative amino acid substitution of one non-polar residue for another, the Ala40 residue is conserved across species. In silico analysis predicts Ala40Val is probably damaging to the protein structure/function. Mutations in nearby residues (Cys39Arg, Val41Phe, Val41Ala) have been reported in association with LQTS, supporting the functional importance of this region of the protein. The Ala40Val variant was not observed in approximately 6,500 individuals of European and African American ancestry in the NHLBI Exome Sequencing Project, indicating it is not a common benign variant in these populations.In summary, while Ala40Val is a good candidate for a disease-causing mutation, with the clinical and molecular information available at this time we cannot unequivocally determine the clinical significance of this variant. The variant is found in LQT panel(s).

NM_000238.4(KCNH2):c.119C>T (p.Ala40Val)

Gene: KCNH2 (potassium voltage-gated channel subfamily H member 2; minus strand). Cytogenetic location: 7q36.1.
Variant type: single nucleotide variant.
Coding change: c.119C>T on transcript NM_000238.4 (MANE Select); coding-DNA position 119, C replaced by T.
Protein change: p.Ala40Val; replaces alanine 40 with valine.
Molecular consequence: missense variant.
Genome position (GRCh38, 1-based): chr7:150,974,899, G>A on the plus strand (C>T on the coding strand, the complement: KCNH2 is on the minus strand). VCF-style: chr7-150974899-G-A. GRCh37 (hg19) VCF-style: chr7-150671987-G-A.
Other names: p.A40V:GCC>GTC; c.-59C>T (NM_001406755.1); c.119C>T, p.Ala40Val (NM_172056.3); short protein forms A40V.
Identifiers: ClinVar variation 200544 (VCV000200544.4), dbSNP rs794728407, ClinGen allele CA004270.
Genomic context (GRCh38, chr7:150,974,899, plus strand): 5'-ATCACCTCGGCCCGCGAGTAGCCGCACAGCTCGCAGAAGCCGTCGTTGCAGTAGATGACG[G>A]CGCAGTTCTCCACCCGAGCGTTGGCGATGATGAACTTACGGCCTAGGGGGGCGGGGAGGA-3'
Protein context (NP_000229.1, residues 30-50): IIANARVENC[Ala40Val]VIYCNDGFCE